The following is an entry in ClinVar:

NM_020987.5(ANK3):c.10034A>C (p.Glu3345Ala)

Gene: ANK3 (ankyrin 3; minus strand). Cytogenetic location: 10q21.2.
Variant type: single nucleotide variant.
Coding change: c.10034A>C on transcript NM_020987.5 (MANE Select); coding-DNA position 10034, A replaced by C.
Protein change: p.Glu3345Ala; replaces glutamic acid 3345 with alanine.
Molecular consequence: missense variant. On other transcripts: intron variant (4).
Genome position (GRCh38, 1-based): chr10:60,070,847, T>G on the plus strand (A>C on the coding strand, the complement: ANK3 is on the minus strand). VCF-style: chr10-60070847-T-G. GRCh37 (hg19) VCF-style: chr10-61830605-T-G.
Other names: c.4388-2838A>C (NM_001204403.2); c.4409-2838A>C (NM_001204404.2); c.4406-2838A>C (NM_001320874.2); c.1808-2838A>C (NM_001149.4); short protein forms E3345A.
Identifiers: ClinVar variation 2009774 (VCV002009774.4), dbSNP rs2492528041, ClinGen allele CA377001775.

ClinVar aggregate classification (germline): Uncertain significance (1 of 4 stars; one submission).

Allele frequency attached by ClinVar (database versions not stated): gnomAD exomes below 0.00001.
gnomAD v4.1: 1 of 1,614,158 alleles (0.000062%); highest among the groups gnomAD compares: Non-Finnish European, 0.000085%; no homozygotes.

Submission:

Labcorp Genetics (formerly Invitae), Labcorp
Classification: Uncertain significance. Last evaluated: 2022-06-23. Review status: criteria provided, single submitter. Criteria: Invitae Variant Classification Sherloc (09022015). Collection method: clinical testing. Allele origin: germline.
Comment: In summary, the available evidence is currently insufficient to determine the role of this variant in disease. Therefore, it has been classified as a Variant of Uncertain Significance. Algorithms developed to predict the effect of missense changes on protein structure and function are either unavailable or do not agree on the potential impact of this missense change (SIFT: "Not Available"; PolyPhen-2: "Benign"; Align-GVGD: "Not Available"). This variant has not been reported in the literature in individuals affected with ANK3-related conditions. This variant is not present in population databases (gnomAD no frequency). This sequence change replaces glutamic acid, which is acidic and polar, with alanine, which is neutral and non-polar, at codon 3345 of the ANK3 protein (p.Glu3345Ala).